The following is an entry in ClinVar:

NM_000551.4(VHL):c.-12_-4dup

Gene: VHL (von Hippel-Lindau tumor suppressor; plus strand). Cytogenetic location: 3p25.3.
Variant type: Duplication.
Coding change: c.-12_-4dup on transcript NM_000551.4 (MANE Select); 12 bases upstream of the start codon through 4 bases upstream of the start codon, 9 bases duplicated (ATCGCGGAG; older notation c.-12_-4dupATCGCGGAG).
Molecular consequence: 5 prime UTR variant. On other transcripts: non-coding transcript variant (1).
Genome position (GRCh38, 1-based): chr3:10,141,836-10,141,844, ATCGCGGAG duplicated; duplicating any 9 consecutive bases within chr3:10,141,835-10,141,844 gives the same sequence; the c. name uses the placement nearest the transcript's 3' end. VCF-style (leftmost placement, unchanged base first): chr3-10141834-G-GGATCGCGGA. GRCh37 (hg19) VCF-style: chr3-10183518-G-GGATCGCGGA.
Other names: c.-12_-4dup (NM_001354723.2, NM_198156.3); c.-12_-4dupATCGCGGAG (NM_000551.4).
Identifiers: ClinVar variation 4887137 (VCV004887137.1).

ClinVar aggregate classification (germline): Uncertain significance (1 of 4 stars; one submission).

Submission:

Women's Health and Genetics/Laboratory Corporation of America, LabCorp
Classification: Uncertain significance. Last evaluated: 2026-06-18. Review status: criteria provided, single submitter. Criteria: LabCorp Variant Classification Summary - May 2015. Collection method: clinical testing. Allele origin: germline.
Comment: Variant summary: VHL c.-12_-4dupATCGCGGAG is located in the untranslated mRNA region upstream of the initiation codon. The variant was absent in 135880 control chromosomes. The available data on variant occurrences in the general population are insufficient to allow any conclusion about variant significance. To our knowledge, no occurrence of c.-12_-4dupATCGCGGAG in individuals affected with VHL-related conditions and no experimental evidence demonstrating its impact on protein function have been reported. No submitters have cited clinical-significance assessments for this variant to ClinVar. Based on the evidence outlined above, the variant was classified as uncertain significance.